The following is an entry in ClinVar:

ClinVar aggregate classification (germline): Likely benign (1 of 4 stars; one submission).

Submission:

GeneDx
Classification: Likely benign. Last evaluated: 2021-12-03. Review status: criteria provided, single submitter. Criteria: GeneDx Variant Classification Process June 2021. Collection method: clinical testing. Allele origin: germline. Affected: yes.
Comment: See Variant Classification Assertion Criteria.

NM_173500.4(TTBK2):c.538-162CT[2]

Gene: TTBK2 (tau tubulin kinase 2; minus strand). Cytogenetic location: 15q15.2.
Variant type: Microsatellite.
Coding change: c.538-162CT[2] on transcript NM_173500.4 (MANE Select); two copies in a row of the 2-base unit CT starting at c.538-162; the reference has three copies in a row; one copy, 2 bases deleted.
Molecular consequence: intron variant.
Genome position (GRCh38, 1-based): chr15:42,817,254-42,817,255, AG deleted on the plus strand (CT on the coding strand, the reverse complement: TTBK2 is on the minus strand); deleting any 2 consecutive bases within chr15:42,817,254-42,817,260 gives the same sequence; the position shown is the placement nearest the transcript's 3' end. VCF-style (leftmost placement, unchanged base first): chr15-42817253-TAG-T. GRCh37 (hg19) VCF-style: chr15-43109451-TAG-T.
Identifiers: ClinVar variation 1691137 (VCV001691137.2), dbSNP rs144596593, ClinGen allele CA269914843.